The following is an entry in ClinVar:

ClinVar aggregate classification (germline): Conflicting classifications of pathogenicity. Review status: criteria provided, conflicting classifications (1 of 4 stars). 2 submissions from 2 submitters: Uncertain significance (1); Likely benign (1). Last evaluated 2026-08-20.

Conditions:
Cardiovascular phenotype. Identifiers: MedGen CN230736.
Alstrom syndrome (ALMS). Identifiers: Orphanet 64, MedGen C0268425, MONDO:0008763, OMIM 203800.

Allele frequency attached by ClinVar (database versions not stated): gnomAD exomes 0.00001.
gnomAD v4.1: 17 of 1,614,006 alleles (0.0011%); highest among the groups gnomAD compares: South Asian, 0.0044%; no homozygotes.

Submissions (2):

Ambry Genetics
Classification: Likely benign for Cardiovascular phenotype. Last evaluated: 2026-08-20. Review status: criteria provided, single submitter. Criteria: Ambry Variant Classification Scheme 2023. Collection method: clinical testing. Allele origin: germline.

Labcorp Genetics (formerly Invitae), Labcorp
Classification: Uncertain significance for Alstrom syndrome. Last evaluated: 2022-09-06. Review status: criteria provided, single submitter. Criteria: Invitae Variant Classification Sherloc (09022015). Collection method: clinical testing. Allele origin: germline.
Comment: This sequence change replaces valine, which is neutral and non-polar, with isoleucine, which is neutral and non-polar, at codon 3445 of the ALMS1 protein (p.Val3445Ile). This variant is present in population databases (no rsID available, gnomAD 0.006%). This variant has not been reported in the literature in individuals affected with ALMS1-related conditions. Experimental studies and prediction algorithms are not available or were not evaluated, and the functional significance of this variant is currently unknown. In summary, the available evidence is currently insufficient to determine the role of this variant in disease. Therefore, it has been classified as a Variant of Uncertain Significance.

NM_001378454.1(ALMS1):c.10330G>A (p.Val3444Ile)

Gene: ALMS1 (ALMS1 centrosome and basal body associated protein; plus strand). Cytogenetic location: 2p13.1.
Variant type: single nucleotide variant.
Coding change: c.10330G>A on transcript NM_001378454.1 (MANE Select); coding-DNA position 10330, G replaced by A.
Protein change: p.Val3444Ile; replaces valine 3444 with isoleucine.
Molecular consequence: missense variant.
Genome position (GRCh38, 1-based): chr2:73,559,088, G>A. VCF-style: chr2-73559088-G-A. GRCh37 (hg19) VCF-style: chr2-73786215-G-A.
Other names: c.10333G>A, p.Val3445Ile (NM_015120.4); short protein forms V3445I, V3444I.
Identifiers: ClinVar variation 2138352 (VCV002138352.2), dbSNP rs1324095620, ClinGen allele CA347278241.